The following is an entry in ClinVar:

ClinVar aggregate classification (germline): Pathogenic/Likely pathogenic. Review status: criteria provided, multiple submitters, no conflicts (2 of 4 stars). 9 submissions from 9 submitters: Pathogenic (2); Likely pathogenic (7). Last evaluated 2026-06-21.

Conditions:
MYH7-related disorder. Also called: MYH7-related condition; MYH7-related disease; MYH7-related disorders.
Cardiovascular phenotype. Identifiers: MedGen CN230736.
Hypertrophic cardiomyopathy 1 (CMH1). Also called: MYH7-Related Familial Hypertrophic Cardiomyopathy; Familial hypertrophic cardiomyopathy 1. Identifiers: MedGen C3495498, MONDO:0008647, OMIM 192600.
Cardiomyopathy (CMYO). Also called: Cardiomyopathies. Identifiers: Orphanet 167848, MedGen C0878544, MONDO:0004994, HP:0001638. Inheritance: Various modes of inheritance.
Hypertrophic cardiomyopathy. Also called: HYPERTROPHIC MYOCARDIOPATHY. Identifiers: Orphanet 217569, MedGen C0007194, MeSH D002312, MONDO:0005045, HP:0001639.

Allele frequency attached by ClinVar (database versions not stated): gnomAD exomes below 0.00001; TOPMed below 0.00001; gnomAD 0.00001.
gnomAD v4.1: 3 of 1,614,072 alleles (0.00019%); highest among the groups gnomAD compares: East Asian, 0.0022%; no homozygotes.

Submissions 1 to 6 of 9:

PreventionGenetics, part of Exact Sciences
Classification: Likely pathogenic for MYH7-related condition. Last evaluated: 2026-06-21. Review status: criteria provided, single submitter. Criteria: ACMG Guidelines, 2015. Collection method: clinical testing. Allele origin: germline.
Comment: The MYH7 c.2605C>T variant is predicted to result in the amino acid substitution p.Arg869Cys. This variant has been reported in the heterozygous state in individuals with hypertrophic cardiomyopathy (HCM) and segregated with disease in one family (see, for example: Anan et al. 2000. PubMed ID: 10862102; Supplementary Table 1, Fujita et al. 2013. PubMed ID: 24621997; Supplementary Table 2, Captur et al. 2014. PubMed ID: 24704860). It has been reported in individuals who also carry another variant in a different HCM gene (Kubo et al. 2011. PubMed ID: 21799269; Hershkovitz et al. 2019. PubMed ID: 30588760; Supplementary Table 4, Lopes et al. 2021. PubMed ID: 34263907). One of these individuals was noted to have an earlier onset and more severe symptoms than relatives carrying only one of the variants (Kubo et al. 2011. PubMed ID: 21799269). This variant has not been reported in a large population database (gnomAD), indicating it is rare. Other missense changes affecting the same amino acid (p.Arg869His, p.Arg869Gly, p.Arg869Pro) have also been reported in individuals with HCM (Table S1, Bos et al. 2014. PubMed ID: 24793961; Richard et al. 2000. PubMed ID: 10900182; Table S1, Chung et al. 2021. PubMed ID: 33658040). This variant is interpreted as likely pathogenic.

Labcorp Genetics (formerly Invitae), Labcorp
Classification: Pathogenic for Hypertrophic cardiomyopathy. Last evaluated: 2026-01-13. Review status: criteria provided, single submitter. Criteria: Invitae Variant Classification Sherloc (09022015). Collection method: clinical testing. Allele origin: germline.
Comment: This sequence change replaces arginine, which is basic and polar, with cysteine, which is neutral and slightly polar, at codon 869 of the MYH7 protein (p.Arg869Cys). This variant is not present in population databases (gnomAD no frequency). This missense change has been observed in individuals with hypertrophic cardiomyopathy (PMID: 10862102, 24621997, 24704860, 27247418, 30588760, 32894683). ClinVar contains an entry for this variant (Variation ID: 181196). Invitae Evidence Modeling of protein sequence and biophysical properties (such as structural, functional, and spatial information, amino acid conservation, physicochemical variation, residue mobility, and thermodynamic stability) indicates that this missense variant is expected to disrupt MYH7 protein function with a positive predictive value of 95%. This variant is found within a region of MYH7 between codons 181 and 937 that contains the majority of the myosin head domain. Missense variants in this region have been shown to be significantly overrepresented in individuals with hypertrophic cardiomyopathy (PMID: 27532257). This variant disrupts the p.Arg869 amino acid residue in MYH7. Other variant(s) that disrupt this residue have been determined to be pathogenic (PMID: 17180650, 20359594, 23674513, 24093860, 25078086). This suggests that this residue is clinically significant, and that variants that disrupt this residue are likely to be disease-causing. For these reasons, this variant has been classified as Pathogenic.

Ambry Genetics
Classification: Pathogenic for Cardiovascular phenotype. Last evaluated: 2025-02-05. Review status: criteria provided, single submitter. Criteria: Ambry Variant Classification Scheme 2023. Collection method: clinical testing. Allele origin: germline.
Comment: The p.R869C pathogenic mutation (also known as c.2605C>T), located in coding exon 20 of the MYH7 gene, results from a C to T substitution at nucleotide position 2605. The arginine at codon 869 is replaced by cysteine, an amino acid with highly dissimilar properties. This alteration is located in the myosin head domain, which contains a statistically significant clustering of pathogenic missense variants (Homburger JR et al. Proc Natl Acad Sci U S A, 2016 06;113:6701-6; Walsh R et al. Genet Med, 2017 02;19:192-203; Ambry internal data). This variant was identified in one or more individuals with features consistent with hypertrophic cardiomyopathy (HCM) and segregated with disease in at least one family (Anan R et al. Hum Mutat, 2000 Jun;15:584; Hirota T et al. J Cardiol, 2010 Jul;56:59-65; Fujita T et al. JACC Heart Fail, 2013 Dec;1:459-66; Captur G et al. Circ Cardiovasc Genet, 2014 Jun;7:241-8; Homburger JR et al. Proc Natl Acad Sci U S A, 2016 06;113:6701-6; van Lint FHM et al. Neth Heart J, 2019 Jun;27:304-309; Mattivi CL et al. Circ Genom Precis Med, 2020 10;13:453-459; Ambry internal data). This variant has also been seen in HCM cases who had variants in other cardiomyopathy-related genes (Hershkovitz T et al. Am J Med Genet A, 2019 03;179:365-372; Kubo T et al. Circ J. 2011 Jul;75(11):2654-9Lopes LR et al. Eur Heart J. 2021 08;42(32):3063-3073). Other variant(s) at the same codon, p.R869H (c.2606G>A), have been identified in individual(s) with features consistent with HCM (Maurizi N et al. JAMA Cardiol, 2018 Jun;3:520-525; Ambry internal data). This variant is considered to be rare based on population cohorts in the Genome Aggregation Database (gnomAD). This amino acid position is well conserved in available vertebrate species. In addition, this alteration is predicted to be deleterious by in silico analysis. Based on the supporting evidence, this variant is interpreted as a disease-causing mutation.

Color Diagnostics, LLC DBA Color Health
Classification: Likely pathogenic for Cardiomyopathy. Last evaluated: 2023-10-16. Review status: criteria provided, single submitter. Criteria: ACMG Guidelines, 2015. Collection method: clinical testing. Allele origin: germline.
Comment: This missense variant replaces arginine with cysteine at codon 869 of the MYH7 protein. Computational prediction suggests that this variant may have a deleterious impact on protein structure and function (internally defined REVEL score threshold >= 0.7, PMID: 27666373). This variant is found within a highly conserved region of the myosin head domain. Missense variants in this region have been shown to be significantly overrepresented in individuals with hypertrophic cardiomyopathy (PMID: 27532257). To our knowledge, functional studies have not been reported for this variant. This variant has been reported in individuals affected with hypertrophic cardiomyopathy (PMID: 10862102, 21799269, 24704860, 30588760, 33495597, 34263907; SCV000996382.2) as well as in individuals with left ventricular hypertrophy (PMID: 24621997). One of these individuals also carried a pathogenic variant in the MYBPC3 gene (PMID: 21799269). A different variant occurring at the same codon, p.Arg869His, is a pathogenic mutation (Clinvar variation ID: 177667), indicating that arginine at this position is important for MYH7 protein function. This variant has not been identified in the general population by the Genome Aggregation Database (gnomAD). Based on the available evidence, this variant is classified as Likely Pathogenic.

All of Us Research Program, National Institutes of Health
Classification: Likely pathogenic for Hypertrophic cardiomyopathy. Last evaluated: 2023-08-15. Review status: criteria provided, single submitter. Criteria: ACMG Guidelines, 2015. Collection method: clinical testing. Allele origin: germline. Inheritance: Autosomal dominant inheritance. Observed: 1 variant allele, 1 heterozygote.
Comment: This missense variant replaces arginine with cysteine at codon 869 of the MYH7 protein. Computational prediction suggests that this variant may have deleterious impact on protein structure and function (internally defined REVEL score threshold >= 0.7, PMID: 27666373). This variant is found within a highly conserved region of the myosin head domain. Missense variants in this region have been shown to be significantly overrepresented in individuals with hypertrophic cardiomyopathy (PMID: 27532257). To our knowledge, functional studies have not been reported for this variant. This variant has been reported in individuals affected with hypertrophic cardiomyopathy (PMID: 10862102, 21799269, 24704860, 30588760, 34263907; SCV000996382.2) as well as in individuals with left ventricular hypertrophy (PMID: 24621997). Some of these individuals also carried a pathogenic variant in the MYBPC3 gene that could explain the observed phenotype (PMID: 21799269). A different variant occurring at the same codon, p.Arg869His, is a pathogenic mutation (Clinvar variation ID: 177667), indicating that arginine at this position is important for MYH7 protein function. This variant has not been identified in the general population by the Genome Aggregation Database (gnomAD). Based on the available evidence, this variant is classified as Likely Pathogenic.

This study involves interpretation of variants in research participants for the purpose of population health screening. Participant phenotype was not available at the time of variant classification. Additional details can be found in publication PMID: 35346344, PMCID: PMC8962531

CHEO Genetics Diagnostic Laboratory, Children's Hospital of Eastern Ontario
Classification: Likely pathogenic for Cardiomyopathy. Last evaluated: 2022-09-14. Review status: criteria provided, single submitter. Criteria: ACMG Guidelines, 2015. Collection method: clinical testing. Allele origin: germline.

NM_000257.4(MYH7):c.2605C>T (p.Arg869Cys)

Genes: MYH7 (myosin heavy chain 7; minus strand), LOC126861898 (BRD4-independent group 4 enhancer GRCh37_chr14:23893609-23894808; plus strand). Cytogenetic location: 14q11.2.
Variant type: single nucleotide variant.
Coding change: c.2605C>T on transcript NM_000257.4 (MANE Select); coding-DNA position 2605, C replaced by T.
Protein change: p.Arg869Cys; replaces arginine 869 with cysteine.
Molecular consequence: missense variant.
Genome position (GRCh38, 1-based): chr14:23,424,843, G>A on the plus strand (C>T on the coding strand, the complement: MYH7 is on the minus strand). VCF-style: chr14-23424843-G-A. GRCh37 (hg19) VCF-style: chr14-23894052-G-A.
Other names: c.2605C>T (NM_000257.3); short protein forms R869C.
Identifiers: ClinVar variation 181196 (VCV000181196.23), dbSNP rs730880750, ClinGen allele CA012714.